The following is an entry in ClinVar:

NM_000277.3(PAH):c.353-6T>A

Gene: PAH (phenylalanine hydroxylase; minus strand). Cytogenetic location: 12q23.2.
Variant type: single nucleotide variant.
Coding change: c.353-6T>A on transcript NM_000277.3 (MANE Select); 6 bases into the intron before coding-DNA position 353, T replaced by A.
Molecular consequence: intron variant.
Genome position (GRCh38, 1-based): chr12:102,877,556, A>T on the plus strand (T>A on the coding strand, the complement: PAH is on the minus strand). VCF-style: chr12-102877556-A-T. GRCh37 (hg19) VCF-style: chr12-103271334-A-T.
Other names: c.353-6T>A (NM_001354304.2).
Identifiers: ClinVar variation 102655 (VCV000102655.2), dbSNP rs62517195, ClinGen allele CA229521.
Genomic context (GRCh38, chr12:102,877,556, plus strand): 5'-AGAATCTGATTGGCAAATCTGTCCAGCTCTTGAATGGTTCTTGGGAACCAGGGCACTGAA[A>T]CACAGAGAAGGCAACGTCCTGAGTACAGATTGGCAGAACATGGCCAAAGGCCTTGCTGAG-3'

ClinVar aggregate classification (germline): Pathogenic. Review status: reviewed by expert panel (3 of 4 stars). 2 submissions from 2 submitters: Pathogenic (1). 1 of the submissions does not count toward it. Last evaluated 2020-07-25.

Conditions:
Phenylketonuria (PKU). Also called: Phenylketonuria (PKU); FOLLING DISEASE; OLIGOPHRENIA PHENYLPYRUVICA; Phenylketonurias. Identifiers: Orphanet 716, MedGen C0031485, MONDO:0009861, OMIM 261600. Disease mechanism: loss of function.

gnomAD v4.1: 1 of 1,611,948 alleles (0.000062%); highest among the groups gnomAD compares: Non-Finnish European, 0.000085%; no homozygotes.

Submissions (2):

ClinGen PAH Variant Curation Expert Panel
Classification: Pathogenic for Phenylketonuria. Last evaluated: 2020-07-25. Review status: reviewed by expert panel. Criteria: ClinGen PAH ACMG Specifications v1. Collection method: curation. Allele origin: germline. Inheritance: Autosomal recessive inheritance.
Comment: (PAH):c.353-6T>A is an intronic variant predicted to be splice altering/deleterious by multiple lines of in silico data. This variant was confirmed to be de novo by parental sequencing (PMID 8807331). (PAH):c.353-6T>A is absent from population databases. In summary, this variant meets criteria to be classified as pathogenic for PAH. PAH-specific ACMG/AMP criteria applied: PS2, PM2, PM3, PP3, and PP4.

DeBelle Laboratory for Biochemical Genetics, MUHC/MCH RESEARCH INSTITUTE
No classification provided. Review status: no classification provided. Collection method: not provided. Allele origin: not provided. Not counted in ClinVar's aggregate classification.